The following is an entry in ClinVar:

ClinVar aggregate classification (germline): Uncertain significance. Review status: criteria provided, multiple submitters, no conflicts (2 of 4 stars). 2 submissions from 2 submitters: Uncertain significance (2). Last evaluated 2025-02-25.

Conditions:
Fanconi anemia complementation group O. Also called: RAD51C-Related Fanconi Anemia. Identifiers: Orphanet 84, MedGen C3150653, MONDO:0013248, OMIM 613390.

Submissions (2):

Labcorp Genetics (formerly Invitae), Labcorp
Classification: Uncertain significance for Fanconi anemia complementation group O. Last evaluated: 2025-02-25. Review status: criteria provided, single submitter. Criteria: Invitae Variant Classification Sherloc (09022015). Collection method: clinical testing. Allele origin: germline.
Comment: This sequence change replaces isoleucine, which is neutral and non-polar, with methionine, which is neutral and non-polar, at codon 314 of the RAD51C protein (p.Ile314Met). This variant is not present in population databases (gnomAD no frequency). This variant has not been reported in the literature in individuals affected with RAD51C-related conditions. ClinVar contains an entry for this variant (Variation ID: 1309097). Invitae Evidence Modeling of protein sequence and biophysical properties (such as structural, functional, and spatial information, amino acid conservation, physicochemical variation, residue mobility, and thermodynamic stability) indicates that this missense variant is not expected to disrupt RAD51C protein function with a negative predictive value of 80%. In summary, the available evidence is currently insufficient to determine the role of this variant in disease. Therefore, it has been classified as a Variant of Uncertain Significance.

GeneDx
Classification: Uncertain significance. Last evaluated: 2019-10-01. Review status: criteria provided, single submitter. Criteria: GeneDx Variant Classification Process June 2021. Collection method: clinical testing. Allele origin: germline. Affected: yes.
Comment: Not observed in large population cohorts (Lek 2016); In silico analysis, which includes protein predictors and evolutionary conservation, supports that this variant does not alter protein structure/function; Has not been previously published as pathogenic or benign to our knowledge

NM_058216.3(RAD51C):c.942C>G (p.Ile314Met)

Gene: RAD51C (RAD51 paralog C; plus strand). Cytogenetic location: 17q22.
Variant type: single nucleotide variant.
Coding change: c.942C>G on transcript NM_058216.3 (MANE Select); coding-DNA position 942, C replaced by G.
Protein change: p.Ile314Met; replaces isoleucine 314 with methionine.
Molecular consequence: missense variant. On other transcripts: non-coding transcript variant (1).
Genome position (GRCh38, 1-based): chr17:58,724,077, C>G. VCF-style: chr17-58724077-C-G. GRCh37 (hg19) VCF-style: chr17-56801438-C-G.
Other names: short protein forms I314M.
Identifiers: ClinVar variation 1309097 (VCV001309097.3), dbSNP rs2143962463, ClinGen allele CA400361461.